The following is an entry in ClinVar:

ClinVar aggregate classification (germline): Conflicting classifications of pathogenicity. Review status: criteria provided, conflicting classifications (1 of 4 stars). 10 submissions from 10 submitters: Uncertain significance (9); Likely benign (1). Last evaluated 2026-05-05.

Conditions:
RAD51D-related disorder. Also called: RAD51D-related condition.
Hereditary cancer-predisposing syndrome. Also called: Neoplastic Syndromes, Hereditary; Tumor predisposition; Hereditary Cancer Syndrome; Hereditary neoplastic syndrome. Identifiers: Orphanet 140162, MedGen C0027672, MeSH D009386, MONDO:0015356.
Breast-ovarian cancer, familial, susceptibility to, 4. Identifiers: Orphanet 145, MedGen C3280345, MONDO:0013669, OMIM 614291.
Hereditary breast ovarian cancer syndrome. Also called: BRCA1- and BRCA2-Associated Hereditary Breast and Ovarian Cancer; Hereditary breast and ovarian cancer; Hereditary breast and ovarian cancer syndrome; Hereditary breast and ovarian cancer syndrome (HBOC); Breast and ovarian cancer; Hereditary breast and/or ovarian cancer syndrome. Identifiers: Orphanet 145, MedGen C0677776, MeSH D061325, MONDO:0003582. Disease mechanism: loss of function.

Allele frequency attached by ClinVar (database versions not stated): ExAC 0.00002; gnomAD 0.00003; gnomAD exomes 0.00003 and 0.00008; TOPMed 0.00004; ESP Exome Variant Server 0.00008.

Submissions (10):

PreventionGenetics, part of Exact Sciences
Classification: Uncertain significance for RAD51D-related condition. Last evaluated: 2026-05-05. Review status: criteria provided, single submitter. Criteria: ACMG Guidelines, 2015. Collection method: clinical testing. Allele origin: germline.
Comment: The RAD51D c.208G>A variant is predicted to result in the amino acid substitution p.Asp70Asn. This variant was reported in individuals with colorectal cancer, ovarian cancer, and cutaneous melanoma (Yurgelun et al. 2017. PubMed ID: 28135145; Delahunty et al. 2022. PubMed ID: 35263119; Pritchard et al. 2018. PubMed ID: 29641532). A minigene assay indicates that this variant has an uncertain impact on RNA splicing (Bueno-Martínez et al. 2021. PubMed ID: 34200360). This variant is reported in 0.0070% of alleles in individuals of European (Non-Finnish) descent in gnomAD and has conflicting interpretations in ClinVar ranging from likely benign to uncertain (Variation ID: 127885). At this time, the clinical significance of this variant is uncertain due to the absence of conclusive functional and genetic evidence.

Labcorp Genetics (formerly Invitae), Labcorp
Classification: Uncertain significance for Breast-ovarian cancer, familial, susceptibility to, 4. Last evaluated: 2026-01-31. Review status: criteria provided, single submitter. Criteria: Invitae Variant Classification Sherloc (09022015). Collection method: clinical testing. Allele origin: germline.
Comment: This sequence change replaces aspartic acid, which is acidic and polar, with asparagine, which is neutral and polar, at codon 70 of the RAD51D protein (p.Asp70Asn). This variant is present in population databases (rs142189122, gnomAD 0.007%). This missense change has been observed in individual(s) with ovarian cancer and colon cancer (PMID: 26261251, 28135145). ClinVar contains an entry for this variant (Variation ID: 127885). Invitae Evidence Modeling of protein sequence and biophysical properties (such as structural, functional, and spatial information, amino acid conservation, physicochemical variation, residue mobility, and thermodynamic stability) indicates that this missense variant is not expected to disrupt RAD51D protein function with a negative predictive value of 80%. In summary, the available evidence is currently insufficient to determine the role of this variant in disease. Therefore, it has been classified as a Variant of Uncertain Significance.

Ambry Genetics
Classification: Likely benign for Hereditary cancer-predisposing syndrome. Last evaluated: 2026-01-20. Review status: criteria provided, single submitter. Criteria: Ambry Variant Classification Scheme 2023. Collection method: clinical testing. Allele origin: germline.

Center for Genomic Medicine, Rigshospitalet, Copenhagen University Hospital
Classification: Uncertain significance. Last evaluated: 2025-12-29. Review status: criteria provided, single submitter. Criteria: ACMG Guidelines, 2015. Collection method: clinical testing. Allele origin: germline.

Color Diagnostics, LLC DBA Color Health
Classification: Uncertain significance for Hereditary cancer-predisposing syndrome. Last evaluated: 2025-06-30. Review status: criteria provided, single submitter. Criteria: ACMG Guidelines, 2015. Collection method: clinical testing. Allele origin: germline.
Comment: This missense variant replaces aspartic acid with asparagine at codon 70 of the RAD51D protein. Computational prediction suggests that this variant may not impact protein structure and function. To our knowledge, protein functional studies have not been reported for this variant. A mini-gene RNA splice study has shown an inconclusive impact of this variant on RNA splicing (PMID: 34200360). This variant has been reported in individuals affected with ovarian cancer (PMID: 26261251, 35263119) and colorectal cancer (PMID: 28135145). This variant has been identified in 8/251458 chromosomes in the general population by the Genome Aggregation Database (gnomAD). The available evidence is insufficient to determine the role of this variant in disease conclusively. Therefore, this variant is classified as a Variant of Uncertain Significance.

GeneDx
Classification: Uncertain significance. Last evaluated: 2024-12-16. Review status: criteria provided, single submitter. Criteria: GeneDx Variant Classification Process June 2021. Collection method: clinical testing. Allele origin: germline. Affected: yes.
Comment: Observed in individuals with ovarian or colorectal cancer (PMID: 26261251, 28135145, 35263119); Published functional studies are not conclusive: protein interaction levels of XRCC2 and RAD51C similar to wildtype; however, a minigene assay demonstrates increased amount of alternatively spliced transcripts, but the clinical significance is unclear (PMID: 30836272, 34200360); In silico analysis supports that this missense variant has a deleterious effect on protein structure/function; This variant is associated with the following publications: (PMID: 28135145, 26261251, 34200360, 29641532, 30836272, 35263119, 14704354, 19327148)

Baylor Genetics
Classification: Uncertain significance for Breast-ovarian cancer, familial, susceptibility to, 4. Last evaluated: 2023-10-09. Review status: criteria provided, single submitter. Criteria: ACMG Guidelines, 2015. Collection method: clinical testing. Allele origin: unknown.

Women's Health and Genetics/Laboratory Corporation of America, LabCorp
Classification: Uncertain significance. Last evaluated: 2023-01-03. Review status: criteria provided, single submitter. Criteria: LabCorp Variant Classification Summary - May 2015. Collection method: clinical testing. Allele origin: germline.
Comment: Variant summary: RAD51D c.208G>A (p.Asp70Asn) results in a conservative amino acid change in the encoded protein sequence. Three of five in-silico tools predict a damaging effect of the variant on protein function. 4/4 computational tools predict no significant impact on normal splicing. However, at least one functional study showed this variant affected splicing (Bueno-MartAnez_2021). The variant allele was found at a frequency of 3.1e-05 in 257002 control chromosomes (gnomAD and publication data). The available data on variant occurrences in the general population are insufficient to allow any conclusion about variant significance. c.208G>A has been reported in the literature in individuals affected with ovarian cancer or colorectal cancer (Song_2015, Yurelun_2017, Delahunty_2022). These reports do not provide unequivocal conclusions about association of the variant with Hereditary Breast And Ovarian Cancer Syndrome. Five ClinVar submitters (evaluation after 2014) cite this variant as uncertain significance. Based on the evidence outlined above, the variant was classified as uncertain significance.

Sema4
Classification: Uncertain significance for Hereditary cancer-predisposing syndrome. Last evaluated: 2021-11-06. Review status: criteria provided, single submitter. Criteria: Sema4 Curation Guidelines. Collection method: curation. Allele origin: germline.
Comment: The RAD51D c.208G>A (p.D70N) variant has been reported in at least two individuals with ovarian or colorectal cancer (PMID: 26261251, 28135145). It was observed in 8/113752 chromosomes of the Non-Finnish European subpopulation in the large and broad cohorts of the Genome Aggregation Database (PMID: 32461654). The variant has been reported in ClinVar (Variation ID: 127885). In silico predictions of the variant's effect on protein function are inconclusive, while predictions of the variant's effect on splicing are benign. However, a transcriptional study suggested this variant leads to decreased amounts of the full length RAD51D transcript and increased amounts of aberrant transcripts, compared to wildtype (PMID: 34200360). The evidence is insufficient to meet ACMG/AMP criteria for classifying the variant as benign or pathogenic. Thus, the clinical significance of this variant is currently uncertain.

Department of Pathology and Laboratory Medicine, Sinai Health System
Classification: Uncertain significance for Hereditary breast ovarian cancer syndrome. Last evaluated: 2020-04-02. Review status: criteria provided, single submitter. Criteria: ACMG Guidelines, 2015. Collection method: clinical testing. Allele origin: germline. Affected: yes.

Literature cited by the submitters: PubMed 26261251 (cited by 6 submitters); PubMed 28135145 (cited by 6 submitters); PubMed 36413997 (cited by Ambry Genetics); PubMed 34200360 (cited by 3 submitters); PubMed 35263119 (cited by Color Diagnostics, LLC DBA Color Health and Women's Health and Genetics/Laboratory Corporation of America, LabCorp); PubMed 30836272 (cited by Women's Health and Genetics/Laboratory Corporation of America, LabCorp).

NM_002878.4(RAD51D):c.208G>A (p.Asp70Asn)

Genes: RAD51D (RAD51 paralog D; minus strand), RAD51L3-RFFL (RAD51L3-RFFL readthrough; minus strand). Cytogenetic location: 17q12.
Variant type: single nucleotide variant.
Coding change: c.208G>A on transcript NM_002878.4 (MANE Select); coding-DNA position 208, G replaced by A.
Protein change: p.Asp70Asn; replaces aspartic acid 70 with asparagine.
Molecular consequence: missense variant. On other transcripts: intron variant (2).
Genome position (GRCh38, 1-based): chr17:35,118,556, C>T on the plus strand (G>A on the coding strand, the complement: RAD51D is on the minus strand). VCF-style: chr17-35118556-C-T. GRCh37 (hg19) VCF-style: chr17-33445575-C-T.
Other names: p.D70N:GAT>AAT; c.144+555G>A (NM_133629.3, NM_001142571.2); short protein forms D70N.
Identifiers: ClinVar variation 127885 (VCV000127885.37), dbSNP rs142189122, ClinGen allele CA287965.